The following is an entry in ClinVar:

NC_000003.11:g.(?_113505059)_(113507742_?)del

Gene: ATP6V1A (ATPase H+ transporting V1 subunit A; plus strand). Cytogenetic location: 3q13.31.
Variant type: Deletion.
Identifiers: ClinVar variation 3246978 (VCV003246978.1).

ClinVar aggregate classification (germline): Uncertain significance (1 of 4 stars; one submission).

Submission:

Labcorp Genetics (formerly Invitae), Labcorp
Classification: Uncertain significance. Last evaluated: 2023-05-19. Review status: criteria provided, single submitter. Criteria: Invitae Variant Classification Sherloc (09022015). Collection method: clinical testing. Allele origin: unknown.
Comment: In summary, the available evidence is currently insufficient to determine the role of this variant in disease. Therefore, it has been classified as a Variant of Uncertain Significance. Experimental studies and prediction algorithms are not available or were not evaluated, and the functional significance of this variant is currently unknown. This variant has not been reported in the literature in individuals affected with ATP6V1A-related conditions. This variant is a gross deletion of the genomic region encompassing exon(s) 6-7 of the ATP6V1A gene. This variant would be expected to be in-frame, preserving the integrity of the reading frame.